The following is an entry in ClinVar:

NM_001029.5(RPS26):c.98A>T (p.Asp33Val)

Gene: RPS26 (ribosomal protein S26; plus strand). Cytogenetic location: 12q13.2.
Variant type: single nucleotide variant.
Coding change: c.98A>T on transcript NM_001029.5 (MANE Select); coding-DNA position 98, A replaced by T.
Protein change: p.Asp33Val; replaces aspartic acid 33 with valine.
Molecular consequence: missense variant.
Genome position (GRCh38, 1-based): chr12:56,042,519, A>T. VCF-style: chr12-56042519-A-T. GRCh37 (hg19) VCF-style: chr12-56436303-A-T.
Other names: short protein forms D33V.
Identifiers: ClinVar variation 3721700 (VCV003721700.2).

ClinVar aggregate classification (germline): Uncertain significance (1 of 4 stars; one submission).

Conditions:
Diamond-Blackfan anemia 10 (DBA10). Also called: RPS26-Related Diamond-Blackfan Anemia. Identifiers: Orphanet 124, MedGen C2750080, MONDO:0013217, OMIM 613309.

Submission:

Labcorp Genetics (formerly Invitae), Labcorp
Classification: Uncertain significance for Diamond-Blackfan anemia 10. Last evaluated: 2024-10-10. Review status: criteria provided, single submitter. Criteria: Invitae Variant Classification Sherloc (09022015). Collection method: clinical testing. Allele origin: germline.
Comment: This sequence change replaces aspartic acid, which is acidic and polar, with valine, which is neutral and non-polar, at codon 33 of the RPS26 protein (p.Asp33Val). This variant is not present in population databases (gnomAD no frequency). This variant has not been reported in the literature in individuals affected with RPS26-related conditions. An algorithm developed to predict the effect of missense changes on protein structure and function (PolyPhen-2) suggests that this variant is likely to be disruptive. In summary, the available evidence is currently insufficient to determine the role of this variant in disease. Therefore, it has been classified as a Variant of Uncertain Significance.